The following is an entry in ClinVar:

ClinVar aggregate classification (germline): Uncertain significance (1 of 4 stars; one submission).

Allele frequency attached by ClinVar (database versions not stated): gnomAD exomes below 0.00001.
gnomAD v4.1: 2 of 1,548,302 alleles (0.00013%); highest among the groups gnomAD compares: Admixed American, 0.0039%; no homozygotes.

Submission:

Labcorp Genetics (formerly Invitae), Labcorp
Classification: Uncertain significance. Last evaluated: 2022-08-21. Review status: criteria provided, single submitter. Criteria: Invitae Variant Classification Sherloc (09022015). Collection method: clinical testing. Allele origin: germline.
Comment: This sequence change replaces serine, which is neutral and polar, with alanine, which is neutral and non-polar, at codon 8 of the TRIP4 protein (p.Ser8Ala). This variant is present in population databases (no rsID available, gnomAD 0.004%). This variant has not been reported in the literature in individuals affected with TRIP4-related conditions. Algorithms developed to predict the effect of missense changes on protein structure and function output the following: SIFT: "Tolerated"; PolyPhen-2: "Benign"; Align-GVGD: "Class C0". The alanine amino acid residue is found in multiple mammalian species, which suggests that this missense change does not adversely affect protein function. In summary, the available evidence is currently insufficient to determine the role of this variant in disease. Therefore, it has been classified as a Variant of Uncertain Significance.

NM_016213.5(TRIP4):c.22T>G (p.Ser8Ala)

Gene: TRIP4 (thyroid hormone receptor interactor 4; plus strand). Cytogenetic location: 15q22.31.
Variant type: single nucleotide variant.
Coding change: c.22T>G on transcript NM_016213.5 (MANE Select); coding-DNA position 22, T replaced by G.
Protein change: p.Ser8Ala; replaces serine 8 with alanine.
Molecular consequence: missense variant. On other transcripts: 5 prime UTR variant (1), non-coding transcript variant (1).
Genome position (GRCh38, 1-based): chr15:64,387,885, T>G. VCF-style: chr15-64387885-T-G. GRCh37 (hg19) VCF-style: chr15-64680084-T-G.
Other names: c.-753T>G (NM_001321924.2); short protein forms S8A.
Identifiers: ClinVar variation 1952782 (VCV001952782.2), dbSNP rs1422731390, ClinGen allele CA393193338.